The following is an entry in ClinVar:

ClinVar aggregate classification (germline): Uncertain significance (1 of 4 stars; one submission).

Conditions:
Hereditary cancer-predisposing syndrome. Also called: Neoplastic Syndromes, Hereditary; Tumor predisposition; Hereditary neoplastic syndrome; Hereditary Cancer Syndrome. Identifiers: Orphanet 140162, MedGen C0027672, MeSH D009386, MONDO:0015356.

Allele frequency attached by ClinVar (database versions not stated): gnomAD exomes below 0.00001.

Submission:

Ambry Genetics
Classification: Uncertain significance for Hereditary cancer-predisposing syndrome. Last evaluated: 2023-10-04. Review status: criteria provided, single submitter. Criteria: Ambry Variant Classification Scheme 2023. Collection method: clinical testing. Allele origin: germline.
Comment: The c.3795_3797delTAG variant (also known as p.S1266del) is located in coding exon 9 of the BRCA1 gene. This variant results from an in-frame TAG deletion at nucleotide positions 3795 to 3797. This results in the in-frame deletion of a serine at codon 1266. This amino acid position is not well conserved in available vertebrate species. In addition, this alteration is predicted to be neutral by in silico analysis (Choi Y et al. PLoS ONE. 2012; 7(10):e46688). Since supporting evidence is limited at this time, the clinical significance of this alteration remains unclear. Since supporting evidence is limited at this time, the clinical significance of this alteration remains unclear.

NM_007294.4(BRCA1):c.3795_3797del (p.Ser1266del)

Genes: BRCA1 (BRCA1 DNA repair associated; minus strand), LOC126862571 (BRD4-independent group 4 enhancer GRCh37_chr17:41243136-41244335; plus strand). Cytogenetic location: 17q21.31.
Variant type: Deletion.
Coding change: c.3795_3797del on transcript NM_007294.4 (MANE Select); coding-DNA positions 3795 to 3797, 3 bases deleted (TAG; older notation c.3795_3797delTAG).
Protein change: p.Ser1266del; deletes serine 1266.
Molecular consequence: inframe deletion. On other transcripts: intron variant (135).
Genome position (GRCh38, 1-based): chr17:43,091,734-43,091,736, CTA deleted on the plus strand (TAG on the coding strand, the reverse complement: BRCA1 is on the minus strand). VCF-style (leftmost placement, unchanged base first): chr17-43091733-GCTA-G. GRCh37 (hg19) VCF-style: chr17-41243750-GCTA-G.
Other names: c.647-704_647-702del (NM_001408469.1, NM_001408453.1, NM_001408461.1 and 11 more transcripts); c.3795_3797del, p.Ser1266del (NM_001407616.1, NM_001407617.1, NM_001407618.1 and 30 more transcripts); c.665-704_665-702del (NM_001408436.1, NM_001408444.1, NM_001408438.1 and 12 more transcripts); c.788-704_788-702del (NM_001407980.1, NM_001407976.1, NM_001407993.1 and 17 more transcripts); c.785-704_785-702del (NM_001408397.1, NM_001408401.1, NM_001408396.1 and 13 more transcripts); c.3672_3674del, p.Ser1225del (NM_001407919.1, NM_001407937.1, NM_001407938.1 and 19 more transcripts); c.3531_3533del, p.Ser1178del (NM_001407920.1, NM_001407921.1, NM_001407922.1 and 9 more transcripts); c.3528_3530del, p.Ser1177del (NM_001407930.1, NM_001407931.1, NM_001407932.1 and 2 more transcripts); and 41 more; short protein forms S1098del, S1138del, S1139del, S1154del, S1155del, S1177del, S1178del, S1195del.
Identifiers: ClinVar variation 3226143 (VCV003226143.1), dbSNP rs1439734513, ClinGen allele CA626221283.